The following is an entry in ClinVar:

NM_014795.4(ZEB2):c.73+3538G>A

Gene: ZEB2 (zinc finger E-box binding homeobox 2; minus strand). Cytogenetic location: 2q22.3.
Variant type: single nucleotide variant.
Coding change: c.73+3538G>A on transcript NM_014795.4 (MANE Select); 3538 bases into the intron after coding-DNA position 73, G replaced by A.
Molecular consequence: intron variant. On other transcripts: non-coding transcript variant (1).
Genome position (GRCh38, 1-based): chr2:144,513,740, C>T on the plus strand (G>A on the coding strand, the complement: ZEB2 is on the minus strand). VCF-style: chr2-144513740-C-T. GRCh37 (hg19) VCF-style: chr2-145271307-C-T.
Other names: c.73+3538G>A (NM_001171653.2).
Identifiers: ClinVar variation 2651399 (VCV002651399.24), dbSNP rs575160667, ClinGen allele CA1898701.
Genomic context (GRCh38, chr2:144,513,740, plus strand): 5'-ACCCGCTGCCCGAATCAGGGGCAAAAGCAACAAACTTTGCAAGTTACAAACGGGCCGCAC[C>T]GGTGGCAAGCAGCAGCAGGGCATCTCCCGCTCCGAGTGCTCATTTCTGACTCCAAGGCTG-3'

ClinVar aggregate classification (germline): Likely benign (1 of 4 stars; one submission).

Allele frequency attached by ClinVar (database versions not stated): gnomAD exomes 0.00015; ExAC 0.00065.
gnomAD v4.1: 253 of 1,536,024 alleles (0.016%); highest among the groups gnomAD compares: Non-Finnish European, 0.0074%; no homozygotes.

Submission:

CeGaT Center for Human Genetics Tuebingen
Classification: Likely benign. Last evaluated: 2026-06-01. Review status: criteria provided, single submitter. Criteria: CeGaT Center For Human Genetics Tuebingen Variant Classification Criteria Version 2. Collection method: clinical testing. Allele origin: germline. Affected: yes. Observed: 6 variant alleles.
Comment: ZEB2: PP2, BS1